The following is an entry in ClinVar:

ClinVar aggregate classification (germline): Benign. Review status: criteria provided, multiple submitters, no conflicts (2 of 4 stars). 2 submissions from 2 submitters: Benign (2). Last evaluated 2025-04-09.

gnomAD v4.1: 2,078 of 1,609,908 alleles (0.13%); highest among the groups gnomAD compares: Admixed American, 2%; 36 homozygotes.

Submissions (2):

Molecular Diagnostic Laboratory for Inherited Cardiovascular Disease, Montreal Heart Institute
Classification: Benign. Last evaluated: 2025-04-09. Review status: criteria provided, single submitter. Criteria: ACMG Guidelines, 2015. Collection method: clinical testing. Allele origin: germline. Affected: no.
Comment: BS1;BP6

Mayo Clinic Laboratories, Mayo Clinic
Classification: Benign. Last evaluated: 2024-06-19. Review status: criteria provided, single submitter. Criteria: ACMG Guidelines, 2015. Collection method: clinical testing. Allele origin: germline. Observed: 5 variant alleles.
Comment: BS1, BS2, BP4, BP7

NM_005070.4(SLC4A3):c.1962C>A (p.Ala654=)

Gene: SLC4A3 (solute carrier family 4 member 3; plus strand). Cytogenetic location: 2q35.
Variant type: single nucleotide variant.
Coding change: c.1962C>A on transcript NM_005070.4 (MANE Select); coding-DNA position 1962, C replaced by A.
Protein change: p.Ala654=; no amino-acid change (alanine 654 retained).
Molecular consequence: synonymous variant. On other transcripts: non-coding transcript variant (1).
Genome position (GRCh38, 1-based): chr2:219,635,486, C>A. VCF-style: chr2-219635486-C-A. GRCh37 (hg19) VCF-style: chr2-220500208-C-A.
Other names: p.Ala681=; c.2043C>A, p.Ala681= (NM_001326559.2, NM_201574.3); c.2043C>A (NM_201574.2).
Identifiers: ClinVar variation 3895234 (VCV003895234.2), dbSNP rs140440972.
Genomic context (GRCh38, chr2:219,635,486, plus strand): 5'-GAAGCGGCGAGAGCGTGAACAGACCAAAGTCGAGATGACCACACGGGGTGGCTACACGGC[C>A]CCTGGGAAAGGTCAGACCCTTGGAGGCTGAGTGCCCCCAATACACACTCCCCCATCCCAG-3'
Protein context (NP_005061.3, residues 644-664): VEMTTRGGYT[Ala654=]PGKELSLELG